The following is an entry in ClinVar:

ClinVar aggregate classification (germline): Conflicting classifications of pathogenicity. Review status: criteria provided, conflicting classifications (1 of 4 stars). 5 submissions from 5 submitters: Uncertain significance (3); Likely benign (2). Last evaluated 2026-01-02.

Conditions:
CTRC-related disorder. Also called: CTRC-related condition.
Hereditary pancreatitis (PCTT). Also called: PRSS1-Related Hereditary Pancreatitis; Hereditary chronic pancreatitis. Identifiers: Orphanet 676, MedGen C0238339, MONDO:0008185, OMIM 167800.

Allele frequency attached by ClinVar (database versions not stated): gnomAD exomes 0.00006 and 0.00012; gnomAD 0.00008 and 0.00009; ExAC 0.00009; TOPMed 0.00016.

Submissions (5):

PreventionGenetics, part of Exact Sciences
Classification: Uncertain significance for CTRC-related condition. Last evaluated: 2026-01-02. Review status: criteria provided, single submitter. Criteria: ACMG Guidelines, 2015. Collection method: clinical testing. Allele origin: germline.
Comment: The CTRC c.550G>A variant is predicted to result in the amino acid substitution p.Ala184Thr. This variant was reported in an individual with chronic pancreatitis; however, functional studies showed that this variant retained enzymatic activity similar to wildtype levels (Stefanovics et al. 2024. PubMed ID: 38876922). This variant is reported in 0.065% of alleles in individuals of Latino descent in gnomAD. Although we suspect that this variant may be benign, at this time, the clinical significance of this variant is uncertain due to the absence of conclusive functional and genetic evidence.

Labcorp Genetics (formerly Invitae), Labcorp
Classification: Likely benign for Hereditary pancreatitis. Last evaluated: 2025-11-24. Review status: criteria provided, single submitter. Criteria: Invitae Variant Classification Sherloc (09022015). Collection method: clinical testing. Allele origin: germline.

Mayo Clinic Laboratories, Mayo Clinic
Classification: Likely benign. Last evaluated: 2025-08-19. Review status: criteria provided, single submitter. Criteria: ACMG Guidelines, 2015. Collection method: clinical testing. Allele origin: germline. Observed: 2 variant alleles.
Comment: BS3, BP4

ARUP Laboratories, Molecular Genetics and Genomics, ARUP Laboratories
Classification: Uncertain significance for Hereditary pancreatitis. Last evaluated: 2024-07-25. Review status: criteria provided, single submitter. Criteria: ARUP Molecular Germline Variant Investigation Process 2024. Collection method: clinical testing. Allele origin: germline.
Comment: The CTRC c.550G>A; p.Ala184Thr variant (rs761546594, ClinVar Variation ID: 618054), is reported in the literature in an individual affected with chronic pancreatitis (Stefanovics 2024). This variant is found in the general population with an overall allele frequency of 0.012% (33/282,812 alleles) in the Genome Aggregation Database (v2.1.1). Computational analyses are uncertain whether this variant is neutral or deleterious (REVEL: 0.217). Functional analyses of the variant protein show similar secretion and activity compared to wild type (Stefanovics 2024). Due to limited information, the clinical significance of the p.Ala184Thr variant is uncertain at this time. References: Stefanovics R et al. Novel chymotrypsin C (CTRC) variants from real-world genetic testing of pediatric chronic pancreatitis cases. Pancreatology. 2024 Aug;24(5):690-697. PMID: 38876922.

Ambry Genetics
Classification: Uncertain significance for Hereditary pancreatitis. Last evaluated: 2024-04-13. Review status: criteria provided, single submitter. Criteria: Ambry Variant Classification Scheme 2023. Collection method: clinical testing. Allele origin: germline.
Comment: The p.A184T variant (also known as c.550G>A), located in coding exon 6 of the CTRC gene, results from a G to A substitution at nucleotide position 550. The alanine at codon 184 is replaced by threonine, an amino acid with similar properties. This amino acid position is poorly conserved in available vertebrate species. In addition, this alteration is predicted to be tolerated by in silico analysis. Since supporting evidence is limited at this time, the clinical significance of this alteration remains unclear.

Literature cited by the submitters: PubMed 38876922 (cited by Mayo Clinic Laboratories, Mayo Clinic).

NM_007272.3(CTRC):c.550G>A (p.Ala184Thr)

Gene: CTRC (chymotrypsin C; plus strand). Cytogenetic location: 1p36.21.
Variant type: single nucleotide variant.
Coding change: c.550G>A on transcript NM_007272.3 (MANE Select); coding-DNA position 550, G replaced by A.
Protein change: p.Ala184Thr; replaces alanine 184 with threonine.
Molecular consequence: missense variant.
Genome position (GRCh38, 1-based): chr1:15,444,662, G>A. VCF-style: chr1-15444662-G-A. GRCh37 (hg19) VCF-style: chr1-15771157-G-A.
Other names: short protein forms A184T.
Identifiers: ClinVar variation 618054 (VCV000618054.26), dbSNP rs761546594, ClinGen allele CA613382.